The following is an entry in ClinVar:

ClinVar aggregate classification (germline): Uncertain significance. Review status: criteria provided, multiple submitters, no conflicts (2 of 4 stars). 2 submissions from 2 submitters: Uncertain significance (2). Last evaluated 2024-07-15.

Conditions:
Early-infantile DEE. Also called: Early infantile epileptic encephalopathy; Early infantile epileptic encephalopathy with suppression bursts; Ohtahara syndrome. Identifiers: Orphanet 1934, MedGen C0393706, MONDO:0800491.

Allele frequency attached by ClinVar (database versions not stated): gnomAD 0.00002; TOPMed 0.00001.
gnomAD v4.1: 3 of 1,614,042 alleles (0.00019%); highest among the groups gnomAD compares: African/African-American, 0.004%; no homozygotes.

Submissions (2):

Labcorp Genetics (formerly Invitae), Labcorp
Classification: Uncertain significance for Early-infantile DEE. Last evaluated: 2024-07-15. Review status: criteria provided, single submitter. Criteria: Invitae Variant Classification Sherloc (09022015). Collection method: clinical testing. Allele origin: germline.
Comment: This sequence change replaces alanine, which is neutral and non-polar, with threonine, which is neutral and polar, at codon 504 of the SPTAN1 protein (p.Ala504Thr). This variant is present in population databases (no rsID available, gnomAD 0.01%). This variant has not been reported in the literature in individuals affected with SPTAN1-related conditions. Advanced modeling of protein sequence and biophysical properties (such as structural, functional, and spatial information, amino acid conservation, physicochemical variation, residue mobility, and thermodynamic stability) has been performed at Invitae for this missense variant, however the output from this modeling did not meet the statistical confidence thresholds required to predict the impact of this variant on SPTAN1 protein function. In summary, the available evidence is currently insufficient to determine the role of this variant in disease. Therefore, it has been classified as a Variant of Uncertain Significance.

GeneDx
Classification: Uncertain significance. Last evaluated: 2023-11-20. Review status: criteria provided, single submitter. Criteria: GeneDx Variant Classification Process June 2021. Collection method: clinical testing. Allele origin: germline. Affected: yes.
Comment: Not observed at significant frequency in large population cohorts (gnomAD); In silico analysis supports that this missense variant has a deleterious effect on protein structure/function; Missense variant in a gene in which most reported pathogenic variants are truncating/loss of function; Has not been previously published as pathogenic or benign to our knowledge

NM_001130438.3(SPTAN1):c.1510G>A (p.Ala504Thr)

Gene: SPTAN1 (spectrin alpha, non-erythrocytic 1; plus strand). Cytogenetic location: 9q34.11.
Variant type: single nucleotide variant.
Coding change: c.1510G>A on transcript NM_001130438.3 (MANE Select); coding-DNA position 1510, G replaced by A.
Protein change: p.Ala504Thr; replaces alanine 504 with threonine.
Molecular consequence: missense variant.
Genome position (GRCh38, 1-based): chr9:128,581,830, G>A. VCF-style: chr9-128581830-G-A. GRCh37 (hg19) VCF-style: chr9-131344109-G-A.
Other names: c.1510G>A (NM_001130438.2); c.1510G>A, p.Ala504Thr (NM_001195532.2, NM_001363759.2, NM_001363765.2 and 5 more transcripts); c.1546G>A, p.Ala516Thr (NM_001375312.2, NM_001375318.1); short protein forms A504T, A516T.
Identifiers: ClinVar variation 2796301 (VCV002796301.4), dbSNP rs1334304656, ClinGen allele CA375054200.